The following is an entry in ClinVar:

NM_000540.3(RYR1):c.8979G>A (p.Gln2993=)

Gene: RYR1 (ryanodine receptor 1; plus strand). Cytogenetic location: 19q13.2.
Variant type: single nucleotide variant.
Coding change: c.8979G>A on transcript NM_000540.3 (MANE Select); coding-DNA position 8979, G replaced by A.
Protein change: p.Gln2993=; no amino-acid change (glutamine 2993 retained).
Molecular consequence: synonymous variant.
Genome position (GRCh38, 1-based): chr19:38,510,544, G>A. VCF-style: chr19-38510544-G-A. GRCh37 (hg19) VCF-style: chr19-39001184-G-A.
Other names: c.8979G>A, p.Gln2993= (NM_001042723.2).
Identifiers: ClinVar variation 3072130 (VCV003072130.1), dbSNP rs1970681268, ClinGen allele CA507246185.

ClinVar aggregate classification (germline): Likely benign (1 of 4 stars; one submission).

Conditions:
Malignant hyperthermia, susceptibility to, 1 (MHS1). Also called: Anesthesia related hyperthermia; Malignant hyperpyrexia; Fulminating hyperpyrexia; Pharmacogenic myopathy; RYR1-Related Malignant Hyperthermia Susceptibility; Malignant hyperthermia suceptibility 1. Identifiers: Orphanet 423, MedGen C2930980, MONDO:0007783, OMIM 145600.

Submission:

All of Us Research Program, National Institutes of Health
Classification: Likely benign for Malignant hyperthermia, susceptibility to, 1. Last evaluated: 2023-06-26. Review status: criteria provided, single submitter. Criteria: ACMG Guidelines, 2015. Collection method: clinical testing. Allele origin: germline. Inheritance: Autosomal dominant inheritance. Observed: 1 variant allele, 1 heterozygote.
Comment: This study involves interpretation of variants in research participants for the purpose of population health screening. Participant phenotype was not available at the time of variant classification. Additional details can be found in publication PMID: 35346344, PMCID: PMC8962531